The following is an entry in ClinVar:

NM_144999.4(LRRC45):c.1920G>T (p.Arg640=)

Gene: LRRC45 (leucine rich repeat containing 45; plus strand). Cytogenetic location: 17q25.3.
Variant type: single nucleotide variant.
Coding change: c.1920G>T on transcript NM_144999.4 (MANE Select); coding-DNA position 1920, G replaced by T.
Protein change: p.Arg640=; no amino-acid change (arginine 640 retained).
Molecular consequence: synonymous variant.
Genome position (GRCh38, 1-based): chr17:82,030,712, G>T. VCF-style: chr17-82030712-G-T. GRCh37 (hg19) VCF-style: chr17-79988588-G-T.
Identifiers: ClinVar variation 2648478 (VCV002648478.24), dbSNP rs777781846, ClinGen allele CA502428200.
Genomic context (GRCh38, chr17:82,030,712, plus strand): 5'-CGAGAACGCGTCTCTCCGGGAGAAGCTGCGGCTCCGGGAGGCGGAGATCGCCCGCATCCG[G>T]GACGAGGAGGCCCAGAGGGCGAGCTTCCTGCAGAACGCCGTCCTGGCTTACGTGCAGGCG-3'
Protein context (NP_659436.1, residues 630-650): RLREAEIARI[Arg640=]DEEAQRASFL

ClinVar aggregate classification (germline): Likely benign (1 of 4 stars; one submission).

Submission:

CeGaT Center for Human Genetics Tuebingen
Classification: Likely benign. Last evaluated: 2022-06-01. Review status: criteria provided, single submitter. Criteria: CeGaT Center For Human Genetics Tuebingen Variant Classification Criteria Version 2. Collection method: clinical testing. Allele origin: germline. Affected: yes. Observed: 1 variant allele.
Comment: LRRC45: PM2:Supporting, BP4, BP7